The following is an entry in ClinVar:

ClinVar aggregate classification (germline): Uncertain significance. Review status: criteria provided, multiple submitters, no conflicts (2 of 4 stars). 2 submissions from 2 submitters: Uncertain significance (2). Last evaluated 2025-10-23.

Conditions:
Inborn genetic diseases. Identifiers: MedGen C0950123, MeSH D030342.

Allele frequency attached by ClinVar (database versions not stated): ExAC 0.00006; gnomAD 0.00008; gnomAD exomes 0.00010; TOPMed 0.00011; ESP Exome Variant Server 0.00015.
gnomAD v4.1: 148 of 1,614,044 alleles (0.0092%); highest among the groups gnomAD compares: Non-Finnish European, 0.012%; no homozygotes.

Submissions (2):

Labcorp Genetics (formerly Invitae), Labcorp
Classification: Uncertain significance. Last evaluated: 2025-10-23. Review status: criteria provided, single submitter. Criteria: Invitae Variant Classification Sherloc (09022015). Collection method: clinical testing. Allele origin: germline.
Comment: This sequence change replaces alanine, which is neutral and non-polar, with threonine, which is neutral and polar, at codon 1466 of the DIP2C protein (p.Ala1466Thr). This variant is present in population databases (rs142438404, gnomAD 0.02%). This variant has not been reported in the literature in individuals affected with DIP2C-related conditions. ClinVar contains an entry for this variant (Variation ID: 2065179). An algorithm developed to predict the effect of missense changes on protein structure and function (PolyPhen-2) suggests that this variant is likely to be tolerated. In summary, the available evidence is currently insufficient to determine the role of this variant in disease. Therefore, it has been classified as a Variant of Uncertain Significance.

Ambry Genetics
Classification: Uncertain significance for Inborn genetic diseases. Last evaluated: 2023-02-03. Review status: criteria provided, single submitter. Criteria: Ambry Variant Classification Scheme 2023. Collection method: clinical testing. Allele origin: germline.

NM_014974.3(DIP2C):c.4396G>A (p.Ala1466Thr)

Gene: DIP2C (DIP2 acetate--CoA ligase C (putative); minus strand). Cytogenetic location: 10p15.3.
Variant type: single nucleotide variant.
Coding change: c.4396G>A on transcript NM_014974.3 (MANE Select); coding-DNA position 4396, G replaced by A.
Protein change: p.Ala1466Thr; replaces alanine 1466 with threonine.
Molecular consequence: missense variant.
Genome position (GRCh38, 1-based): chr10:281,222, C>T on the plus strand (G>A on the coding strand, the complement: DIP2C is on the minus strand). VCF-style: chr10-281222-C-T. GRCh37 (hg19) VCF-style: chr10-327162-C-T.
Other names: c.4396G>A (NM_014974.2); short protein forms A1466T.
Identifiers: ClinVar variation 2065179 (VCV002065179.5), dbSNP rs142438404, ClinGen allele CA5379432.